The following is an entry in ClinVar:

ClinVar aggregate classification (germline): Uncertain significance. Review status: criteria provided, multiple submitters, no conflicts (2 of 4 stars). 2 submissions from 2 submitters: Uncertain significance (2). Last evaluated 2023-01-23.

Conditions:
Inborn genetic diseases. Identifiers: MedGen C0950123, MeSH D030342.
DNA ligase IV deficiency. Identifiers: Orphanet 99812, MedGen C1847827, MONDO:0011686, OMIM 606593.

Allele frequency attached by ClinVar (database versions not stated): gnomAD exomes below 0.00001; gnomAD 0.00001; TOPMed 0.00001.

Submissions (2):

Ambry Genetics
Classification: Uncertain significance for Inborn genetic diseases. Last evaluated: 2023-01-23. Review status: criteria provided, single submitter. Criteria: Ambry Variant Classification Scheme 2023. Collection method: clinical testing. Allele origin: germline.

Labcorp Genetics (formerly Invitae), Labcorp
Classification: Uncertain significance for DNA ligase IV deficiency. Last evaluated: 2022-06-13. Review status: criteria provided, single submitter. Criteria: Invitae Variant Classification Sherloc (09022015). Collection method: clinical testing. Allele origin: germline.
Comment: This variant is present in population databases (no rsID available, gnomAD 0.0009%). In summary, the available evidence is currently insufficient to determine the role of this variant in disease. Therefore, it has been classified as a Variant of Uncertain Significance. Algorithms developed to predict the effect of missense changes on protein structure and function (SIFT, PolyPhen-2, Align-GVGD) all suggest that this variant is likely to be disruptive. This variant has not been reported in the literature in individuals affected with LIG4-related conditions. This sequence change replaces phenylalanine, which is neutral and non-polar, with serine, which is neutral and polar, at codon 64 of the LIG4 protein (p.Phe64Ser).

NM_206937.2(LIG4):c.191T>C (p.Phe64Ser)

Gene: LIG4 (DNA ligase 4; minus strand). Cytogenetic location: 13q33.3.
Variant type: single nucleotide variant.
Coding change: c.191T>C on transcript NM_206937.2 (MANE Select); coding-DNA position 191, T replaced by C.
Protein change: p.Phe64Ser; replaces phenylalanine 64 with serine.
Molecular consequence: missense variant. On other transcripts: 5 prime UTR variant (1).
Genome position (GRCh38, 1-based): chr13:108,211,078, A>G on the plus strand (T>C on the coding strand, the complement: LIG4 is on the minus strand). VCF-style: chr13-108211078-A-G. GRCh37 (hg19) VCF-style: chr13-108863426-A-G.
Other names: c.191T>C, p.Phe64Ser (NM_001098268.2, NM_001352598.2, NM_001352599.2 and 6 more transcripts); c.-11T>C (NM_001330595.2); c.227T>C, p.Phe76Ser (NM_001352604.2); short protein forms F64S, F76S.
Identifiers: ClinVar variation 2414277 (VCV002414277.8), dbSNP rs1357482414, ClinGen allele CA388624106.